The following is an entry in ClinVar:

NM_001035.3(RYR2):c.6020G>T (p.Cys2007Phe)

Gene: RYR2 (ryanodine receptor 2; plus strand). Cytogenetic location: 1q43.
Variant type: single nucleotide variant.
Coding change: c.6020G>T on transcript NM_001035.3 (MANE Select); coding-DNA position 6020, G replaced by T.
Protein change: p.Cys2007Phe; replaces cysteine 2007 with phenylalanine.
Molecular consequence: missense variant.
Genome position (GRCh38, 1-based): chr1:237,623,868, G>T. VCF-style: chr1-237623868-G-T. GRCh37 (hg19) VCF-style: chr1-237787168-G-T.
Other names: short protein forms C2007F.
Identifiers: ClinVar variation 864449 (VCV000864449.14), dbSNP rs1251250228, ClinGen allele CA345408392.

ClinVar aggregate classification (germline): Uncertain significance. Review status: criteria provided, multiple submitters, no conflicts (2 of 4 stars). 5 submissions from 5 submitters: Uncertain significance (5). Last evaluated 2026-02-18.

Conditions:
Catecholaminergic polymorphic ventricular tachycardia 1. Also called: VENTRICULAR TACHYCARDIA, CATECHOLAMINERGIC POLYMORPHIC, 1, WITH OR WITHOUT ATRIAL DYSFUNCTION AND/OR DILATED CARDIOMYOPATHY; RYR2-Related Catecholaminergic Polymorphic Ventricular Tachycardia; VENTRICULAR TACHYCARDIA, STRESS-INDUCED POLYMORPHIC 1. Identifiers: Orphanet 3286, MedGen C1631597, MONDO:0011484, OMIM 604772.
Cardiovascular phenotype. Identifiers: MedGen CN230736.
Cardiomyopathy (CMYO). Also called: Cardiomyopathies. Identifiers: Orphanet 167848, MedGen C0878544, MONDO:0004994, HP:0001638. Inheritance: Various modes of inheritance.

Allele frequency attached by ClinVar (database versions not stated): gnomAD exomes below 0.00001; TOPMed 0.00001.
gnomAD v4.1: 2 of 1,592,836 alleles (0.00013%); highest among the groups gnomAD compares: African/African-American, 0.0013%; no homozygotes.

Submissions (5):

Ambry Genetics
Classification: Uncertain significance for Cardiovascular phenotype. Last evaluated: 2026-02-18. Review status: criteria provided, single submitter. Criteria: Ambry Variant Classification Scheme 2023. Collection method: clinical testing. Allele origin: germline.
Comment: The p.C2007F variant (also known as c.6020G>T), located in coding exon 39 of the RYR2 gene, results from a G to T substitution at nucleotide position 6020. The cysteine at codon 2007 is replaced by phenylalanine, an amino acid with highly dissimilar properties. This amino acid position is highly conserved in available vertebrate species. In addition, this alteration is predicted to be deleterious by in silico analysis. Based on the available evidence, the clinical significance of this variant remains unclear.

Labcorp Genetics (formerly Invitae), Labcorp
Classification: Uncertain significance for Catecholaminergic polymorphic ventricular tachycardia 1. Last evaluated: 2026-01-12. Review status: criteria provided, single submitter. Criteria: Invitae Variant Classification Sherloc (09022015). Collection method: clinical testing. Allele origin: germline.
Comment: This sequence change replaces cysteine, which is neutral and slightly polar, with phenylalanine, which is neutral and non-polar, at codon 2007 of the RYR2 protein (p.Cys2007Phe). This variant is present in population databases (no rsID available, gnomAD 0.007%). This variant has not been reported in the literature in individuals affected with RYR2-related conditions. ClinVar contains an entry for this variant (Variation ID: 864449). An algorithm developed to predict the effect of missense changes on protein structure and function (PolyPhen-2) suggests that this variant is likely to be tolerated. In summary, the available evidence is currently insufficient to determine the role of this variant in disease. Therefore, it has been classified as a Variant of Uncertain Significance.

Color Diagnostics, LLC DBA Color Health
Classification: Uncertain significance for Cardiomyopathy. Last evaluated: 2025-04-28. Review status: criteria provided, single submitter. Criteria: ACMG Guidelines, 2015. Collection method: clinical testing. Allele origin: germline.
Comment: This missense variant replaces cysteine with phenylalanine at codon 2007 of the RYR2 protein. Computational prediction suggests that this variant may have a deleterious impact on protein structure and function. To our knowledge, functional studies have not been reported for this variant. This variant has not been reported in individuals affected with RYR2-related disorders in the literature. This variant has been identified in 1/248980 chromosomes in the general population by the Genome Aggregation Database (gnomAD). The available evidence is insufficient to determine the role of this variant in disease conclusively. Therefore, this variant is classified as a Variant of Uncertain Significance.

Women's Health and Genetics/Laboratory Corporation of America, LabCorp
Classification: Uncertain significance. Last evaluated: 2024-12-20. Review status: criteria provided, single submitter. Criteria: LabCorp Variant Classification Summary - May 2015. Collection method: clinical testing. Allele origin: germline.
Comment: Variant summary: RYR2 c.6020G>T (p.Cys2007Phe) results in a non-conservative amino acid change located in the Ryanodine receptor junctional solenoid repeat domain (IPR048581) of the encoded protein sequence. Three of five in-silico tools predict a damaging effect of the variant on protein function. Consensus agreement among computation tools predict no significant impact on normal splicing. However, these predictions have yet to be confirmed by functional studies. The variant allele was found at a frequency of 4e-06 in 248980 control chromosomes. The available data on variant occurrences in the general population are insufficient to allow any conclusion about variant significance. To our knowledge, no occurrence of c.6020G>T in individuals affected with Catecholaminergic Polymorphic Ventricular Tachycardia and no experimental evidence demonstrating its impact on protein function have been reported. The following publication has been ascertained in the context of this evaluation (PMID: 28404607). ClinVar contains an entry for this variant (Variation ID: 864449). Based on the evidence outlined above, the variant was classified as uncertain significance.

Clinical Genetics Laboratory, Skane University Hospital Lund
Classification: Uncertain significance. Last evaluated: 2023-05-11. Review status: criteria provided, single submitter. Criteria: ACMG Guidelines, 2015. Collection method: clinical testing. Allele origin: germline. Affected: yes.

Literature cited by the submitters: PubMed 28404607 (cited by Women's Health and Genetics/Laboratory Corporation of America, LabCorp).